The following is an entry in ClinVar:

NM_018389.5(SLC35C1):c.*5del

Gene: SLC35C1 (solute carrier family 35 member C1; plus strand). Cytogenetic location: 11p11.2.
Variant type: Deletion.
Coding change: c.*5del on transcript NM_018389.5 (MANE Select); 5 bases downstream of the stop codon, one base deleted (C; older notation c.*5delC).
Molecular consequence: 3 prime UTR variant.
Genome position (GRCh38, 1-based): chr11:45,811,340, C deleted; the last of 2 consecutive C bases (chr11:45,811,339-45,811,340); deleting either gives the same sequence. VCF-style (leftmost placement, unchanged base first): chr11-45811338-AC-A. GRCh37 (hg19) VCF-style: chr11-45832889-AC-A.
Other names: c.*5del (NM_001145265.2); c.*5delC (NM_001145266.2).
Identifiers: ClinVar variation 421040 (VCV000421040.1), dbSNP rs1064794866, ClinGen allele CA16619325.
Genomic context (GRCh38, chr11:45,811,338, plus strand): 5'-GAAGACTCCGGAGGAGCCCAGCCCCAAAGACAGCGAGAAGAGCGCCATGGGGGTGTGAGC[AC>A]CACAGGCACCCTGGATGGCCCGGCCCCGGGGCCCGTACACAGGCGGGGCCAGCACAGTAG-3'

ClinVar aggregate classification (germline): Likely benign (1 of 4 stars; one submission).

Submission:

GeneDx
Classification: Likely benign. Last evaluated: 2016-05-27. Review status: criteria provided, single submitter. Criteria: GeneDx Variant Classification (06012015). Collection method: clinical testing. Allele origin: germline. Affected: yes.
Comment: This variant is considered likely benign or benign based on one or more of the following criteria: it is a conservative change, it occurs at a poorly conserved position in the protein, it is predicted to be benign by multiple in silico algorithms, and/or has population frequency not consistent with disease.